The following is an entry in ClinVar:

ClinVar aggregate classification (germline): Likely benign (1 of 4 stars; one submission).

Conditions:
SEMA3C-related disorder. Also called: SEMA3C-related condition.

Submission:

PreventionGenetics, part of Exact Sciences
Classification: Likely benign for SEMA3C-related condition. Last evaluated: 2024-11-22. Review status: criteria provided, single submitter. Criteria: ACMG Guidelines, 2015. Collection method: clinical testing. Allele origin: germline.
Comment: This variant is classified as likely benign based on ACMG/AMP sequence variant interpretation guidelines (Richards et al. 2015 PMID: 25741868, with internal and published modifications).

NM_006379.5(SEMA3C):c.*4T>G

Gene: SEMA3C (semaphorin 3C; minus strand). Cytogenetic location: 7q21.11.
Variant type: single nucleotide variant.
Coding change: c.*4T>G on transcript NM_006379.5 (MANE Select); 4 bases downstream of the stop codon, T replaced by G.
Molecular consequence: 3 prime UTR variant.
Genome position (GRCh38, 1-based): chr7:80,744,890, A>C on the plus strand (T>G on the coding strand, the complement: SEMA3C is on the minus strand). VCF-style: chr7-80744890-A-C. GRCh37 (hg19) VCF-style: chr7-80374206-A-C.
Other names: c.*4T>G (NM_001350120.2, NM_001350121.2).
Identifiers: ClinVar variation 5002556 (VCV005002556.1).